The following is an entry in ClinVar:

NM_001690.4(ATP6V1A):c.555T>G (p.Tyr185Ter)

Gene: ATP6V1A (ATPase H+ transporting V1 subunit A; plus strand). Cytogenetic location: 3q13.31.
Variant type: single nucleotide variant.
Coding change: c.555T>G on transcript NM_001690.4 (MANE Select); coding-DNA position 555, T replaced by G.
Protein change: p.Tyr185Ter; replaces tyrosine 185 with a stop codon.
Molecular consequence: nonsense.
Genome position (GRCh38, 1-based): chr3:113,784,824, T>G. VCF-style: chr3-113784824-T-G. GRCh37 (hg19) VCF-style: chr3-113503671-T-G.
Other names: short protein forms Y185*.
Identifiers: ClinVar variation 4527612 (VCV004527612.1).

ClinVar aggregate classification (germline): Uncertain significance (1 of 4 stars; one submission).

Submission:

GeneDx
Classification: Uncertain significance. Last evaluated: 2025-04-24. Review status: criteria provided, single submitter. Criteria: GeneDx Variant Classification Process June 2021. Collection method: clinical testing. Allele origin: germline. Affected: yes.
Comment: Not observed at significant frequency in large population cohorts (gnomAD); Nonsense variant predicted to result in protein truncation or nonsense mediated decay in a gene or region of a gene for which loss of function is not a well-established mechanism of disease; Has not been previously published as pathogenic or benign to our knowledge